The following is an entry in ClinVar:

NM_001875.5(CPS1):c.2545_2546delinsT (p.Thr849fs)

Gene: CPS1 (carbamoyl-phosphate synthase 1; plus strand). Cytogenetic location: 2q34.
Variant type: Indel.
Coding change: c.2545_2546delinsT on transcript NM_001875.5 (MANE Select); coding-DNA positions 2545 to 2546, AC replaced by T.
Protein change: p.Thr849fs; shifts the reading frame from threonine 849.
Molecular consequence: frameshift variant. On other transcripts: non-coding transcript variant (2).
Genome position (GRCh38, 1-based): chr2:210,612,270-210,612,271, AC replaced by T. VCF-style: chr2-210612270-AC-T. GRCh37 (hg19) VCF-style: chr2-211476994-AC-T.
Other names: c.2545_2546delinsT, p.Thr849fs (NM_001122633.3, NM_001369257.1); c.2578_2579delinsT, p.Thr860fs (NM_001369256.1); short protein forms T849fs, T860fs.
Identifiers: ClinVar variation 5012601 (VCV005012601.1).

ClinVar aggregate classification (germline): Pathogenic (1 of 4 stars; one submission).

Conditions:
Congenital hyperammonemia, type I. Also called: CPS I DEFICIENCY; Carbamoyl phosphate synthetase 1 deficiency; Hyperammonemia due to carbamoyl phosphate synthetase 1 deficiency; CPS 1 deficiency; Carbamyl phosphate synthetase (CPS) deficiency; Carbamoyl phosphate synthetase I deficiency disease. Identifiers: Orphanet 147, MedGen C4082171, MONDO:0009376, OMIM 237300.

Submission:

Myriad Genetics, Inc.
Classification: Pathogenic for Congenital hyperammonemia, type I. Last evaluated: 2023-12-22. Review status: criteria provided, single submitter. Criteria: Myriad Autosomal Dominant, Autosomal Recessive and X-Linked Classification Criteria (2023). Collection method: clinical testing. Allele origin: unknown.
Comment: NM_001875.4(CPS1):c.2545_2546delACinsT(T849Cfs*37) is expected to be pathogenic in the context of carbamoylphosphate synthetase I deficiency. This variant is predicted to lead to an abnormal or absent protein product due to the creation of a premature termination codon in CPS1, a gene where loss-of-function variants are known to be pathogenic. Please note: this variant was assessed in the context of healthy population screening.